The following is an entry in ClinVar:

NM_001130823.3(DNMT1):c.1849C>T (p.Arg617Trp)

Gene: DNMT1 (DNA methyltransferase 1; minus strand). Cytogenetic location: 19p13.2.
Variant type: single nucleotide variant.
Coding change: c.1849C>T on transcript NM_001130823.3 (MANE Select); coding-DNA position 1849, C replaced by T.
Protein change: p.Arg617Trp; replaces arginine 617 with tryptophan.
Molecular consequence: missense variant.
Genome position (GRCh38, 1-based): chr19:10,154,463, G>A on the plus strand (C>T on the coding strand, the complement: DNMT1 is on the minus strand). VCF-style: chr19-10154463-G-A. GRCh37 (hg19) VCF-style: chr19-10265139-G-A.
Other names: c.1801C>T, p.Arg601Trp (NM_001318730.2, NM_001379.4); c.1486C>T, p.Arg496Trp (NM_001318731.2); short protein forms R496W, R601W, R617W.
Identifiers: ClinVar variation 1954959 (VCV001954959.5), dbSNP rs2513820937, ClinGen allele CA403934106.

ClinVar aggregate classification (germline): Uncertain significance (1 of 4 stars; one submission).

Conditions:
Hereditary sensory neuropathy-deafness-dementia syndrome. Also called: Hereditary sensory neuropathy type IE; HSN IE; NEUROPATHY, HEREDITARY SENSORY, WITH HEARING LOSS AND DEMENTIA; Hereditary Sensory and Autonomic Neuropathy Type 1E (HSAN1E). Identifiers: Orphanet 456318, MedGen C3279885, MONDO:0013584, OMIM 614116.

Allele frequency attached by ClinVar (database versions not stated): gnomAD exomes below 0.00001.
gnomAD v4.1: 2 of 1,614,196 alleles (0.00012%); highest among the groups gnomAD compares: Non-Finnish European, 0.00017%; no homozygotes.

Submission:

Labcorp Genetics (formerly Invitae), Labcorp
Classification: Uncertain significance for Hereditary sensory neuropathy-deafness-dementia syndrome. Last evaluated: 2022-10-26. Review status: criteria provided, single submitter. Criteria: Invitae Variant Classification Sherloc (09022015). Collection method: clinical testing. Allele origin: germline.
Comment: This variant is not present in population databases (gnomAD no frequency). This variant has not been reported in the literature in individuals affected with DNMT1-related conditions. Advanced modeling of protein sequence and biophysical properties (such as structural, functional, and spatial information, amino acid conservation, physicochemical variation, residue mobility, and thermodynamic stability) performed at Invitae indicates that this missense variant is not expected to disrupt DNMT1 protein function. In summary, the available evidence is currently insufficient to determine the role of this variant in disease. Therefore, it has been classified as a Variant of Uncertain Significance. This sequence change replaces arginine, which is basic and polar, with tryptophan, which is neutral and slightly polar, at codon 617 of the DNMT1 protein (p.Arg617Trp).